The following is an entry in ClinVar:

NM_001009944.3(PKD1):c.12577C>T (p.Gln4193Ter)

Gene: PKD1 (polycystin 1, transient receptor potential channel interacting; minus strand). Cytogenetic location: 16p13.3.
Variant type: single nucleotide variant.
Coding change: c.12577C>T on transcript NM_001009944.3 (MANE Select); coding-DNA position 12577, C replaced by T.
Protein change: p.Gln4193Ter; replaces glutamine 4193 with a stop codon.
Molecular consequence: nonsense.
Genome position (GRCh38, 1-based): chr16:2,090,062, G>A on the plus strand (C>T on the coding strand, the complement: PKD1 is on the minus strand). VCF-style: chr16-2090062-G-A. GRCh37 (hg19) VCF-style: chr16-2140063-G-A.
Other names: c.12574C>T, p.Gln4192Ter (NM_000296.4); short protein forms Q4192*, Q4193*.
Identifiers: ClinVar variation 1707900 (VCV001707900.10), dbSNP rs2544579185, ClinGen allele CA394321950.

ClinVar aggregate classification (germline): Pathogenic/Likely pathogenic. Review status: criteria provided, multiple submitters, no conflicts (2 of 4 stars). 6 submissions from 6 submitters: Pathogenic (4); Likely pathogenic (2). Last evaluated 2026-07-13.

Conditions:
PKD1-related disorder. Also called: PKD1-related condition.
Polycystic kidney disease, adult type (PKD1). Also called: Polycystic Kidney Disease 1, Autosomal Dominant; Polycystic kidney disease 1; Polycystic kidney disease 1, severe; POLYCYSTIC KIDNEY DISEASE 1 WITH OR WITHOUT POLYCYSTIC LIVER DISEASE; Polycystic Kidney, Autosomal Dominant; POLYCYSTIC KIDNEY DISEASE, ADULT, TYPE I. Identifiers: MedGen C3149841, MONDO:0008263, OMIM 173900.

Submissions (6):

MVZ Medizinische Genetik Mainz
Classification: Pathogenic for Polycystic kidney disease, adult type. Last evaluated: 2026-07-13. Review status: criteria provided, single submitter. Criteria: UK Practice Guidelines For Variant Classification V4 01 2020. Collection method: clinical testing. Allele origin: germline. Inheritance: Autosomal dominant inheritance. Affected: yes. Observed: 1 variant allele.
Comment: ACMG Criteria: PVS1,PS4_MOD,PM2_SUP,PP4

Victorian Clinical Genetics Services, Murdoch Childrens Research Institute
Classification: Pathogenic for Polycystic kidney disease, adult type. Last evaluated: 2025-05-22. Review status: criteria provided, single submitter. Criteria: ACMG Guidelines, 2015. Collection method: clinical testing. Allele origin: germline. Affected: yes.
Comment: This variant is classified as Pathogenic. Evidence in support of pathogenic classification: Variant is predicted to result in a truncated protein (premature termination codon is NOT located at least 54 nucleotides upstream of the final exon-exon junction) with less than 1/3 of the protein sequence affected; Variant is absent from gnomAD (v2, v3 and v4); This variant has limited previous evidence of pathogenicity in unrelated individual(s). This variant has been classified as likely pathogenic and as a VUS by clinical laboratories in ClinVar, and reported in the literature in individuals with ADPKD (PMID: 30989420, 32879264); Other truncating variant(s) comparable to the one identified in this case have very strong previous evidence for pathogenicity (DECIPHER, ClinVar). Additional information: This variant is heterozygous; This gene is associated with autosomal dominant disease. Polycystic kidney disease 1 (MIM#173900) is predominantly caused by monoallelic variants, with rare reports of biallelic variants causing disease (OMIM); Loss of function is a known mechanism of disease in this gene and is associated with polycystic kidney disease 1 (MIM#173900); Inheritance information for this variant is not currently available in this individual.

Blueprint Genetics
Classification: Pathogenic for PKD1-related disorders. Last evaluated: 2023-02-28. Review status: criteria provided, single submitter. Criteria: ACMG Guidelines, 2015. Collection method: clinical testing. Allele origin: germline. Affected: yes. Observed: 2 variant alleles.

GeneDx
Classification: Likely pathogenic. Last evaluated: 2022-03-30. Review status: criteria provided, single submitter. Criteria: GeneDx Variant Classification Process June 2021. Collection method: clinical testing. Allele origin: germline. Affected: yes.
Comment: Nonsense variant in the C-terminus predicted to result in protein truncation, as the last 111 amino acids are lost, and other loss-of-function variants have been reported downstream in HGMD; Not observed at significant frequency in large population cohorts (gnomAD); This variant is associated with the following publications: (PMID: 27782177, 32879264)

Department of Pathology and Laboratory Medicine, Sinai Health System
Classification: Pathogenic for Polycystic kidney disease, adult type. Last evaluated: 2020-01-14. Review status: criteria provided, single submitter. Criteria: ACMG Guidelines, 2015. Collection method: clinical testing. Allele origin: germline.

Juno Genomics, Hangzhou Juno Genomics, Inc
Classification: Likely pathogenic for Polycystic kidney disease, adult type. Review status: criteria provided, single submitter. Criteria: ACMG Guidelines, 2015. Collection method: clinical testing. Allele origin: germline. Affected: yes.
Comment: Absent from controls (or at extremely low frequency if recessive) in Genome Aggregation Database.;Null variant in a gene where loss of function (LOF) is a known mechanism of disease.;The prevalence of the variant in affected individuals is significantly increased compared to the prevalence in controls.;Patient's phenotype or family history is highly specific for a disease with a single genetic etiology.

Literature cited by the submitters: PubMed 30989420 (cited by Victorian Clinical Genetics Services, Murdoch Childrens Research Institute); PubMed 32879264 (cited by Victorian Clinical Genetics Services, Murdoch Childrens Research Institute); PubMed 27782177 (cited by Department of Pathology and Laboratory Medicine, Sinai Health System).